The following is an entry in ClinVar:

ClinVar aggregate classification (germline): Uncertain significance. Review status: criteria provided, multiple submitters, no conflicts (2 of 4 stars). 2 submissions from 2 submitters: Uncertain significance (2). Last evaluated 2025-11-19.

Conditions:
Charcot-Marie-Tooth disease type 2. Also called: Charcot-Marie-Tooth type 2. Identifiers: Orphanet 64746, MedGen C0270914, MONDO:0018993.

Allele frequency attached by ClinVar (database versions not stated): gnomAD 0.00001.
gnomAD v4.1: 1 of 1,614,026 alleles (0.000062%); highest among the groups gnomAD compares: African/African-American, 0.0013%; no homozygotes.

Submissions (2):

Labcorp Genetics (formerly Invitae), Labcorp
Classification: Uncertain significance for Charcot-Marie-Tooth disease type 2. Last evaluated: 2025-11-19. Review status: criteria provided, single submitter. Criteria: Invitae Variant Classification Sherloc (09022015). Collection method: clinical testing. Allele origin: germline.
Comment: This sequence change replaces serine, which is neutral and polar, with cysteine, which is neutral and slightly polar, at codon 182 of the KIF1B protein (p.Ser182Cys). This variant is not present in population databases (gnomAD no frequency). This variant has not been reported in the literature in individuals affected with KIF1B-related conditions. ClinVar contains an entry for this variant (Variation ID: 1747653). Invitae Evidence Modeling of protein sequence and biophysical properties (such as structural, functional, and spatial information, amino acid conservation, physicochemical variation, residue mobility, and thermodynamic stability) indicates that this missense variant is expected to disrupt KIF1B protein function with a positive predictive value of 80%. In summary, the available evidence is currently insufficient to determine the role of this variant in disease. Therefore, it has been classified as a Variant of Uncertain Significance.

Ambry Genetics
Classification: Uncertain significance. Last evaluated: 2022-06-09. Review status: criteria provided, single submitter. Criteria: Ambry Variant Classification Scheme 2023. Collection method: clinical testing. Allele origin: germline.
Comment: The p.S182C variant (also known as c.545C>G), located in coding exon 5 of the KIF1B gene, results from a C to G substitution at nucleotide position 545. The serine at codon 182 is replaced by cysteine, an amino acid with dissimilar properties. This amino acid position is conserved. In addition, this alteration is predicted to be deleterious by in silico analysis. Since supporting evidence is limited at this time, the clinical significance of this alteration remains unclear.

NM_001365951.3(KIF1B):c.545C>G (p.Ser182Cys)

Gene: KIF1B (kinesin family member 1B; plus strand). Cytogenetic location: 1p36.22.
Variant type: single nucleotide variant.
Coding change: c.545C>G on transcript NM_001365951.3 (MANE Select); coding-DNA position 545, C replaced by G.
Protein change: p.Ser182Cys; replaces serine 182 with cysteine.
Molecular consequence: missense variant.
Genome position (GRCh38, 1-based): chr1:10,267,495, C>G. VCF-style: chr1-10267495-C-G. GRCh37 (hg19) VCF-style: chr1-10327553-C-G.
Other names: c.545C>G, p.Ser182Cys (NM_001365952.1, NM_001365953.1, NM_015074.3 and 1 more transcripts); short protein forms S182C.
Identifiers: ClinVar variation 1747653 (VCV001747653.3), dbSNP rs1368455996, ClinGen allele CA338329654.
Genomic context (GRCh38, chr1:10,267,495, plus strand): 5'-ACAAGGGTAATTTGCGTGTGCGTGAACACCCACTTCTTGGACCCTATGTGGAGGATCTGT[C>G]CAAGTTGGCAGTTACTTCCTACACAGACATTGCTGACCTCATGGATGCTGGGAACAAAGC-3'
Protein context (NP_001352880.1, residues 172-192): PLLGPYVEDL[Ser182Cys]KLAVTSYTDI